The following is an entry in ClinVar:

ClinVar aggregate classification (germline): Uncertain significance. Review status: criteria provided, multiple submitters, no conflicts (2 of 4 stars). 2 submissions from 2 submitters: Uncertain significance (2). Last evaluated 2024-11-11.

Conditions:
Aicardi-Goutieres syndrome 5. Identifiers: Orphanet 51, MedGen C2749659, MONDO:0013059, OMIM 612952.

Allele frequency attached by ClinVar (database versions not stated): TOPMed below 0.00001; ExAC 0.00001; gnomAD 0.00001; gnomAD exomes 0.00002.
gnomAD v4.1: 33 of 1,613,232 alleles (0.002%); highest among the groups gnomAD compares: Non-Finnish European, 0.0025%; no homozygotes.

Submissions (2):

Blueprint Genetics
Classification: Uncertain significance. Last evaluated: 2024-11-11. Review status: criteria provided, single submitter. Criteria: ACMG Guidelines, 2015. Collection method: clinical testing. Allele origin: germline.

Labcorp Genetics (formerly Invitae), Labcorp
Classification: Uncertain significance for Aicardi-Goutieres syndrome 5. Last evaluated: 2022-07-20. Review status: criteria provided, single submitter. Criteria: Invitae Variant Classification Sherloc (09022015). Collection method: clinical testing. Allele origin: germline.
Comment: This sequence change replaces glycine, which is neutral and non-polar, with arginine, which is basic and polar, at codon 211 of the SAMHD1 protein (p.Gly211Arg). This variant is present in population databases (rs759491812, gnomAD 0.004%). This variant has not been reported in the literature in individuals affected with SAMHD1-related conditions. Algorithms developed to predict the effect of missense changes on protein structure and function are either unavailable or do not agree on the potential impact of this missense change (SIFT: "Deleterious"; PolyPhen-2: "Probably Damaging"; Align-GVGD: "Class C15"). Algorithms developed to predict the effect of sequence changes on RNA splicing suggest that this variant may create or strengthen a splice site. In summary, the available evidence is currently insufficient to determine the role of this variant in disease. Therefore, it has been classified as a Variant of Uncertain Significance.

NM_015474.4(SAMHD1):c.631G>A (p.Gly211Arg)

Gene: SAMHD1 (SAM and HD domain containing deoxynucleoside triphosphate triphosphohydrolase 1; minus strand). Cytogenetic location: 20q11.23.
Variant type: single nucleotide variant.
Coding change: c.631G>A on transcript NM_015474.4 (MANE Select); coding-DNA position 631, G replaced by A.
Protein change: p.Gly211Arg; replaces glycine 211 with arginine.
Molecular consequence: missense variant.
Genome position (GRCh38, 1-based): chr20:36,927,247, C>T on the plus strand (G>A on the coding strand, the complement: SAMHD1 is on the minus strand). VCF-style: chr20-36927247-C-T. GRCh37 (hg19) VCF-style: chr20-35555650-C-T.
Other names: c.631G>A, p.Gly211Arg (NM_001363729.2, NM_001363733.2); short protein forms G211R.
Identifiers: ClinVar variation 2151296 (VCV002151296.2), dbSNP rs759491812, ClinGen allele CA9844687.